The following is an entry in ClinVar:

ClinVar aggregate classification (germline): Uncertain significance (1 of 4 stars; one submission).

Allele frequency attached by ClinVar (database versions not stated): TOPMed below 0.00001; gnomAD 0.00001.

Submission:

Labcorp Genetics (formerly Invitae), Labcorp
Classification: Uncertain significance. Last evaluated: 2022-05-31. Review status: criteria provided, single submitter. Criteria: Invitae Variant Classification Sherloc (09022015). Collection method: clinical testing. Allele origin: germline.
Comment: This sequence change replaces arginine, which is basic and polar, with lysine, which is basic and polar, at codon 940 of the LRP2 protein (p.Arg940Lys). This variant is not present in population databases (gnomAD no frequency). This variant has not been reported in the literature in individuals affected with LRP2-related conditions. Algorithms developed to predict the effect of missense changes on protein structure and function are either unavailable or do not agree on the potential impact of this missense change (SIFT: "Tolerated"; PolyPhen-2: "Possibly Damaging"; Align-GVGD: "Class C0"). In summary, the available evidence is currently insufficient to determine the role of this variant in disease. Therefore, it has been classified as a Variant of Uncertain Significance.

NM_004525.3(LRP2):c.2819G>A (p.Arg940Lys)

Gene: LRP2 (LDL receptor related protein 2; minus strand). Cytogenetic location: 2q31.1.
Variant type: single nucleotide variant.
Coding change: c.2819G>A on transcript NM_004525.3 (MANE Select); coding-DNA position 2819, G replaced by A.
Protein change: p.Arg940Lys; replaces arginine 940 with lysine.
Molecular consequence: missense variant.
Genome position (GRCh38, 1-based): chr2:169,247,467, C>T on the plus strand (G>A on the coding strand, the complement: LRP2 is on the minus strand). VCF-style: chr2-169247467-C-T. GRCh37 (hg19) VCF-style: chr2-170103977-C-T.
Other names: short protein forms R940K.
Identifiers: ClinVar variation 1969547 (VCV001969547.2), dbSNP rs1690056066, ClinGen allele CA349154277.